The following is an entry in ClinVar:

NM_000276.4(OCRL):c.200-7C>T

Gene: OCRL (OCRL inositol polyphosphate-5-phosphatase; plus strand). Cytogenetic location: Xq26.1.
Variant type: single nucleotide variant.
Coding change: c.200-7C>T on transcript NM_000276.4 (MANE Select); 7 bases into the intron before coding-DNA position 200, C replaced by T.
Molecular consequence: intron variant.
Genome position (GRCh38, 1-based): chrX:129,548,556, C>T. VCF-style: chrX-129548556-C-T. GRCh37 (hg19) VCF-style: chrX-128682533-C-T.
Other names: c.203-7C>T (NM_001318784.2); c.200-7C>T (NM_001587.4, NM_000276.3).
Identifiers: ClinVar variation 2848862 (VCV002848862.4), dbSNP rs2521855515, ClinGen allele CA2739273755.

ClinVar aggregate classification (germline): Conflicting classifications of pathogenicity. Review status: criteria provided, conflicting classifications (1 of 4 stars). 2 submissions from 2 submitters: Uncertain significance (1); Likely benign (1). Last evaluated 2023-11-28.

Conditions:
Nephrolithiasis/nephrocalcinosis. Identifiers: MedGen CN580796.
Lowe syndrome (OCRL). Also called: LOWE OCULOCEREBRORENAL SYNDROME; PHOSPHATIDYLINOSITOL 4,5-BISPHOSPHATE 5-PHOSPHATASE DEFICIENCY; Oculocerebrorenal Syndrome. Identifiers: Orphanet 534, MedGen C0028860, MONDO:0010645, OMIM 309000.

Submissions (2):

Labcorp Genetics (formerly Invitae), Labcorp
Classification: Likely benign for Lowe syndrome. Last evaluated: 2023-11-28. Review status: criteria provided, single submitter. Criteria: Invitae Variant Classification Sherloc (09022015). Collection method: clinical testing. Allele origin: germline.

Ambry Genetics
Classification: Uncertain significance for Nephrolithiasis/nephrocalcinosis. Last evaluated: 2016-01-07. Review status: criteria provided, single submitter. Criteria: Ambry Variant Classification Scheme 2023. Collection method: clinical testing. Allele origin: germline.
Comment: The c.200-7C>T intronic alteration consists of a C to T substitution 7 nucleotides before coding exon 4 in the OCRL gene. Based on insufficient or conflicting evidence, the clinical significance of this alteration remains unclear.